The following is an entry in ClinVar:

ClinVar aggregate classification (germline): Uncertain significance (1 of 4 stars; one submission).

Conditions:
Early-infantile DEE. Also called: Early infantile epileptic encephalopathy; Early infantile epileptic encephalopathy with suppression bursts; Ohtahara syndrome. Identifiers: Orphanet 1934, MedGen C0393706, MONDO:0800491.

gnomAD v4.1: 7 of 1,614,038 alleles (0.00043%); highest among the groups gnomAD compares: Admixed American, 0.005%; no homozygotes.

Submission:

Labcorp Genetics (formerly Invitae), Labcorp
Classification: Uncertain significance for Early-infantile DEE. Last evaluated: 2024-02-21. Review status: criteria provided, single submitter. Criteria: Invitae Variant Classification Sherloc (09022015). Collection method: clinical testing. Allele origin: germline.
Comment: This sequence change replaces lysine, which is basic and polar, with arginine, which is basic and polar, at codon 1023 of the SPTAN1 protein (p.Lys1023Arg). This variant is present in population databases (rs758733662, gnomAD 0.009%). This variant has not been reported in the literature in individuals affected with SPTAN1-related conditions. Advanced modeling of protein sequence and biophysical properties (such as structural, functional, and spatial information, amino acid conservation, physicochemical variation, residue mobility, and thermodynamic stability) has been performed at Invitae for this missense variant, however the output from this modeling did not meet the statistical confidence thresholds required to predict the impact of this variant on SPTAN1 protein function. In summary, the available evidence is currently insufficient to determine the role of this variant in disease. Therefore, it has been classified as a Variant of Uncertain Significance.

NM_001130438.3(SPTAN1):c.3068A>G (p.Lys1023Arg)

Gene: SPTAN1 (spectrin alpha, non-erythrocytic 1; plus strand). Cytogenetic location: 9q34.11.
Variant type: single nucleotide variant.
Coding change: c.3068A>G on transcript NM_001130438.3 (MANE Select); coding-DNA position 3068, A replaced by G.
Protein change: p.Lys1023Arg; replaces lysine 1023 with arginine.
Molecular consequence: missense variant.
Genome position (GRCh38, 1-based): chr9:128,591,538, A>G. VCF-style: chr9-128591538-A-G. GRCh37 (hg19) VCF-style: chr9-131353817-A-G.
Other names: c.3068A>G, p.Lys1023Arg (NM_001195532.2, NM_001363759.2, NM_001363765.2 and 5 more transcripts); c.3104A>G, p.Lys1035Arg (NM_001375312.2, NM_001375318.1); short protein forms K1023R, K1035R.
Identifiers: ClinVar variation 3705731 (VCV003705731.2).